The following is an entry in ClinVar:

ClinVar aggregate classification (germline): Benign. Review status: criteria provided, multiple submitters, no conflicts (2 of 4 stars). 3 submissions from 3 submitters: Benign (3). Last evaluated 2026-01-23.

Allele frequency attached by ClinVar (database versions not stated): gnomAD exomes 0.00076 and 0.00202; ExAC 0.00258; ESP Exome Variant Server 0.00766; gnomAD 0.00774 and 0.00835; 1000 Genomes Project 0.00799; TOPMed 0.00833; 1000 Genomes Project 30x 0.00906.

Submissions (3):

Labcorp Genetics (formerly Invitae), Labcorp
Classification: Benign. Last evaluated: 2026-01-23. Review status: criteria provided, single submitter. Criteria: Invitae Variant Classification Sherloc (09022015). Collection method: clinical testing. Allele origin: germline.

Mayo Clinic Laboratories, Mayo Clinic
Classification: Benign. Last evaluated: 2024-08-06. Review status: criteria provided, single submitter. Criteria: ACMG Guidelines, 2015. Collection method: clinical testing. Allele origin: germline. Observed: 4 variant alleles.
Comment: BS1, BS2, BP4

Breakthrough Genomics
Classification: Benign. Review status: criteria provided, single submitter. Criteria: ACMG Guidelines, 2015. Collection method: not provided. Allele origin: germline. Inheritance: Autosomal recessive inheritance. Affected: yes.

NM_016363.5(GP6):c.967G>A (p.Gly323Arg)

Gene: GP6 (glycoprotein VI platelet; minus strand). Cytogenetic location: 19q13.42.
Variant type: single nucleotide variant.
Coding change: c.967G>A on transcript NM_016363.5 (MANE Select); coding-DNA position 967, G replaced by A.
Protein change: p.Gly323Arg; replaces glycine 323 with arginine.
Molecular consequence: missense variant.
Genome position (GRCh38, 1-based): chr19:55,014,974, C>T on the plus strand (G>A on the coding strand, the complement: GP6 is on the minus strand). VCF-style: chr19-55014974-C-T. GRCh37 (hg19) VCF-style: chr19-55526342-C-T.
Other names: p.Arg324Gln; c.971G>A, p.Arg324Gln (NM_001083899.2); c.913G>A, p.Gly305Arg (NM_001256017.2); short protein forms G305R, R324Q, G323R.
Identifiers: ClinVar variation 775428 (VCV000775428.11), dbSNP rs80348265, ClinGen allele CA310121727.